The following is an entry in ClinVar:

ClinVar aggregate classification (germline): Uncertain significance (1 of 4 stars; one submission).

Allele frequency attached by ClinVar (database versions not stated): gnomAD exomes below 0.00001 and 0.00003; TOPMed below 0.00001; ExAC 0.00003.
gnomAD v4.1: 4 of 1,613,100 alleles (0.00025%); highest among the groups gnomAD compares: East Asian, 0.0089%; no homozygotes.

Submission:

Labcorp Genetics (formerly Invitae), Labcorp
Classification: Uncertain significance. Last evaluated: 2025-06-17. Review status: criteria provided, single submitter. Criteria: Invitae Variant Classification Sherloc (09022015). Collection method: clinical testing. Allele origin: germline.
Comment: This sequence change replaces glycine, which is neutral and non-polar, with alanine, which is neutral and non-polar, at codon 56 of the COL9A3 protein (p.Gly56Ala). This variant is present in population databases (rs758518434, gnomAD 0.05%). This variant has not been reported in the literature in individuals affected with COL9A3-related conditions. ClinVar contains an entry for this variant (Variation ID: 1387692). Invitae Evidence Modeling of protein sequence and biophysical properties (such as structural, functional, and spatial information, amino acid conservation, physicochemical variation, residue mobility, and thermodynamic stability) indicates that this missense variant is expected to disrupt COL9A3 protein function with a positive predictive value of 95%. In summary, the available evidence is currently insufficient to determine the role of this variant in disease. Therefore, it has been classified as a Variant of Uncertain Significance.

NM_001853.4(COL9A3):c.167G>C (p.Gly56Ala)

Gene: COL9A3 (collagen type IX alpha 3 chain; plus strand). Cytogenetic location: 20q13.33.
Variant type: single nucleotide variant.
Coding change: c.167G>C on transcript NM_001853.4 (MANE Select); coding-DNA position 167, G replaced by C.
Protein change: p.Gly56Ala; replaces glycine 56 with alanine.
Molecular consequence: missense variant.
Genome position (GRCh38, 1-based): chr20:62,818,537, G>C. VCF-style: chr20-62818537-G-C. GRCh37 (hg19) VCF-style: chr20-61449889-G-C.
Other names: short protein forms G56A.
Identifiers: ClinVar variation 1387692 (VCV001387692.8), dbSNP rs758518434, ClinGen allele CA9949038.